The following is an entry in ClinVar:

NM_005055.5(RAPSN):c.280G>T (p.Glu94Ter)

Gene: RAPSN (receptor associated protein of the synapse; minus strand). Cytogenetic location: 11p11.2.
Variant type: single nucleotide variant.
Coding change: c.280G>T on transcript NM_005055.5 (MANE Select); coding-DNA position 280, G replaced by T.
Protein change: p.Glu94Ter; replaces glutamic acid 94 with a stop codon.
Molecular consequence: nonsense. On other transcripts: intron variant (1).
Genome position (GRCh38, 1-based): chr11:47,448,063, C>A on the plus strand (G>T on the coding strand, the complement: RAPSN is on the minus strand). VCF-style: chr11-47448063-C-A. GRCh37 (hg19) VCF-style: chr11-47469615-C-A.
Other names: c.280G>T, p.Glu94Ter (NM_001440490.1, NM_001440491.1, NM_001440492.1 and 12 more transcripts); c.192+710G>T (NM_001440504.1); short protein forms E94*.
Identifiers: ClinVar variation 5012919 (VCV005012919.1).
Genomic context (GRCh38, chr11:47,448,063, plus strand): 5'-CAGGCAGCCCAAGGCAGGTCTTGCAGTAGGAGATGGTCTTGTGAAACTCGCACAGCTTCT[C>A]GTTGCTGCGTGCCAGGTTCAGGTAGCTCTCCAGGAGGAAGTCGGCATCCTCCAGCTCCCG-3'

ClinVar aggregate classification (germline): Pathogenic (1 of 4 stars; one submission).

Conditions:
RAPSN-related disorder. Also called: RAPSN-related condition; RAPSN-related disorders. Identifiers: MedGen CN239397.

Submission:

Myriad Genetics, Inc.
Classification: Pathogenic for RAPSN-related disorder. Last evaluated: 2024-04-15. Review status: criteria provided, single submitter. Criteria: Myriad Autosomal Dominant, Autosomal Recessive and X-Linked Classification Criteria (2023). Collection method: clinical testing. Allele origin: unknown.
Comment: NM_005055.4(RAPSN):c.280G>T(E94*) is expected to be pathogenic in the context of RAPSN-related disorders. This variant is predicted to lead to an abnormal or absent protein product due to the creation of a premature termination codon in RAPSN, a gene where loss-of-function variants are known to be pathogenic. Please note: this variant was assessed in the context of healthy population screening.